The following is an entry in ClinVar:

ClinVar aggregate classification (germline): Uncertain significance (1 of 4 stars; one submission).

Submission:

Labcorp Genetics (formerly Invitae), Labcorp
Classification: Uncertain significance. Last evaluated: 2021-10-09. Review status: criteria provided, single submitter. Criteria: Invitae Variant Classification Sherloc (09022015). Collection method: clinical testing. Allele origin: germline.
Comment: This missense change has been observed in individual(s) with retinitis pigmentosa (Invitae). In summary, the available evidence is currently insufficient to determine the role of this variant in disease. Therefore, it has been classified as a Variant of Uncertain Significance. Algorithms developed to predict the effect of missense changes on protein structure and function are either unavailable or do not agree on the potential impact of this missense change (SIFT: "Not Available"; PolyPhen-2: "Probably Damaging"; Align-GVGD: "Not Available"). This variant is not present in population databases (ExAC no frequency). This sequence change replaces arginine with glycine at codon 434 of the TULP1 protein (p.Arg434Gly). The arginine residue is highly conserved and there is a moderate physicochemical difference between arginine and glycine.

NM_003322.6(TULP1):c.1300A>G (p.Arg434Gly)

Gene: TULP1 (TUB like protein 1; minus strand). Cytogenetic location: 6p21.31.
Variant type: single nucleotide variant.
Coding change: c.1300A>G on transcript NM_003322.6 (MANE Select); coding-DNA position 1300, A replaced by G.
Protein change: p.Arg434Gly; replaces arginine 434 with glycine.
Molecular consequence: missense variant.
Genome position (GRCh38, 1-based): chr6:35,503,582, T>C on the plus strand (A>G on the coding strand, the complement: TULP1 is on the minus strand). VCF-style: chr6-35503582-T-C. GRCh37 (hg19) VCF-style: chr6-35471359-T-C.
Other names: c.1141A>G, p.Arg381Gly (NM_001289395.2); short protein forms R381G, R434G.
Identifiers: ClinVar variation 1523761 (VCV001523761.6), dbSNP rs1179321594, ClinGen allele CA363779071.